The following is an entry in ClinVar:

NM_000135.4(FANCA):c.240_241del (p.Cys80_Asp81delinsTer)

Gene: FANCA (FA complementation group A; minus strand). Cytogenetic location: 16q24.3.
Variant type: Microsatellite.
Coding change: c.240_241del on transcript NM_000135.4 (MANE Select); coding-DNA positions 240 to 241, 2 bases deleted (TG; older notation c.240_241delTG).
Protein change: p.Cys80_Asp81delinsTer.
Molecular consequence: nonsense.
Genome position (GRCh38, 1-based): chr16:89,814,562-89,814,563, CA deleted on the plus strand (TG on the coding strand, the reverse complement: FANCA is on the minus strand); deleting any 2 consecutive bases within chr16:89,814,562-89,814,565 gives the same sequence; the c. name uses the placement nearest the transcript's 3' end. VCF-style (leftmost placement, unchanged base first): chr16-89814561-TCA-T. GRCh37 (hg19) VCF-style: chr16-89880969-TCA-T.
Other names: c.240_241del (NM_000135.2); c.240_241delTG (NM_000135.3); c.240_241del, p.Cys80_Asp81delinsTer (NM_001018112.3, NM_001286167.3, NM_001351830.2).
Identifiers: ClinVar variation 915871 (VCV000915871.10), dbSNP rs1363946483, ClinGen allele CA624274781.

ClinVar aggregate classification (germline): Pathogenic/Likely pathogenic. Review status: criteria provided, multiple submitters, no conflicts (2 of 4 stars). 7 submissions from 7 submitters: Pathogenic (4); Likely pathogenic (1). 2 of the submissions do not count toward it. Last evaluated 2025-06-06.

Conditions:
Fanconi anemia (FA). Also called: Fanconi's anemia. Identifiers: Orphanet 84, MedGen C0015625, MeSH D005199, MONDO:0019391.
Fanconi anemia complementation group A (FANCA). Also called: FANCA-Related Fanconi Anemia; Fanconi anemia, group A. Identifiers: Orphanet 84, MedGen C3469521, MONDO:0009215, OMIM 227650.

Submissions (7):

Natera, Inc.
Classification: Pathogenic for Fanconi anemia. Last evaluated: 2025-06-06. Review status: criteria provided, single submitter. Criteria: Natera Variant Classification Schema (03/2026). Collection method: clinical testing. Allele origin: germline.
Comment: The c.240_241delTG variant in FANCA is a frameshift variant predicted to shift the reading frame and introduce a stop codon. This variant is expected to result in nonsense mediated decay, truncation, or a dysfunctional protein product. This variant is rare in the general population with a frequency below the threshold expected for the associated phenotype(s). This variant has been observed in one or more individuals affected with the associated recessive disease, as either homozygous or compound heterozygous with a second variant (PMID: 33224012). Given the available evidence, this variant is classified as Pathogenic.

GeneKor MSA
Classification: Pathogenic for Fanconi anemia complementation group A. Last evaluated: 2025-05-15. Review status: criteria provided, single submitter. Criteria: ACMG Guidelines, 2015. Collection method: clinical testing. Allele origin: germline. Affected: yes.
Comment: This variant is a deletion of two nucleotides in exon 3 of the FANCA mRNA (c.240_241del), resulting in the substitution of cysteine with a premature stop codon at position 80 of the FANCA protein (p.Cys80*). The resulting protein is expected to be truncated and non-functional. This variant is listed in the ClinVar (VCV000915871.7). Based on the above evidence, this variant is classified as pathogenic.

Baylor Genetics
Classification: Pathogenic for Fanconi anemia complementation group A. Last evaluated: 2024-02-29. Review status: criteria provided, single submitter. Criteria: ACMG Guidelines, 2015. Collection method: clinical testing. Allele origin: unknown.

Laboratory of Medical Genetics, National & Kapodistrian University of Athens
Classification: Likely pathogenic for Fanconi anemia complementation group A. Last evaluated: 2024-02-01. Review status: criteria provided, single submitter. Criteria: ACMG Guidelines, 2015. Collection method: curation. Allele origin: germline. Affected: no.

Labcorp Genetics (formerly Invitae), Labcorp
Classification: Pathogenic for Fanconi anemia. Last evaluated: 2023-05-01. Review status: criteria provided, single submitter. Criteria: Invitae Variant Classification Sherloc (09022015). Collection method: clinical testing. Allele origin: germline.
Comment: This sequence change creates a premature translational stop signal (p.Cys80*) in the FANCA gene. It is expected to result in an absent or disrupted protein product. Loss-of-function variants in FANCA are known to be pathogenic (PMID: 19367192). This variant is present in population databases (no rsID available, gnomAD 0.007%). This premature translational stop signal has been observed in individual(s) with Fanconi anemia (PMID: 33224012). ClinVar contains an entry for this variant (Variation ID: 915871). For these reasons, this variant has been classified as Pathogenic.

Istanbul Faculty of Medicine, Istanbul University
Classification: Likely pathogenic for Fanconi anemia, complementation group A. Last evaluated: 2020-03-17. Review status: no assertion criteria provided. Collection method: clinical testing. Allele origin: germline. Affected: yes. Observed: 1 variant allele. Not counted in ClinVar's aggregate classification.
Comment: Segregates in family

Leiden Open Variation Database
Classification: Pathogenic for Fanconi anemia complementation group A. Last evaluated: 2020-02-28. Review status: no assertion criteria provided. Collection method: curation. Allele origin: germline. Affected: yes. Not counted in ClinVar's aggregate classification.
Comment: Curator: Arleen D. Auerbach. Submitter to LOVD: Arleen D. Auerbach.

Literature cited by the submitters: PubMed 33224012 (cited by Natera, Inc. and Labcorp Genetics (formerly Invitae), Labcorp); PubMed 19367192 (cited by Labcorp Genetics (formerly Invitae), Labcorp); DOI 10.1159/000509838 (cited by Istanbul Faculty of Medicine, Istanbul University).